The following is an entry in ClinVar:

ClinVar aggregate classification (germline): Conflicting classifications of pathogenicity. Review status: criteria provided, conflicting classifications (1 of 4 stars). 6 submissions from 5 submitters: Uncertain significance (2); Likely benign (3). 1 of the submissions does not count toward it. Last evaluated 2026-04-10.

Conditions:
Maturity-onset diabetes of the young (MODY). Also called: Maturity onset diabetes mellitus in young. Identifiers: Orphanet 552, MedGen C0342276, MONDO:0018911, HP:0004904.
Hereditary hyperinsulinism.
Inborn genetic diseases. Identifiers: MedGen C0950123, MeSH D030342.
Transitory neonatal diabetes mellitus. Also called: Transient neonatal diabetes mellitus. Identifiers: MedGen C0342273, MONDO:0020525, HP:0008255.

Allele frequency attached by ClinVar (database versions not stated): gnomAD 0.00002; gnomAD exomes 0.00007 and 0.00015; TOPMed 0.00011; ExAC 0.00013.
gnomAD v4.1: 42 of 1,613,736 alleles (0.0026%); highest among the groups gnomAD compares: Admixed American, 0.07%; no homozygotes.

Submissions (6):

Women's Health and Genetics/Laboratory Corporation of America, LabCorp
Classification: Likely benign. Last evaluated: 2026-04-10. Review status: criteria provided, single submitter. Criteria: LabCorp Variant Classification Summary - May 2015. Collection method: clinical testing. Allele origin: germline.

Labcorp Genetics (formerly Invitae), Labcorp
Classification: Likely benign. Last evaluated: 2026-01-06. Review status: criteria provided, single submitter. Criteria: Invitae Variant Classification Sherloc (09022015). Collection method: clinical testing. Allele origin: germline.

Ambry Genetics
Classification: Likely benign for Inborn genetic diseases. Last evaluated: 2021-05-15. Review status: criteria provided, single submitter. Criteria: Ambry Variant Classification Scheme 2023. Collection method: clinical testing. Allele origin: germline.

Clinical Genomics, Uppaluri K&H Personalized Medicine Clinic
Classification: Uncertain significance for Maturity-onset diabetes of the young. Review status: criteria provided, single submitter. Criteria: K & H Uppaluri Personalized Medicine Clinic Variant Classification & Assertion Criteria_Updated V.1. Collection method: research. Allele origin: unknown. Inheritance: Somatic mutation.
Comment: Mutations in ABCC8 gene are associated with both neonatal diabetes mellitus as well as MODY. Patients with this mutation may have a better response to sulfonylureas. However, no sufficient evidence is found to ascertain the role of this particular variant ( rs747902103) in MODY yet.

Clinical Genomics, Uppaluri K&H Personalized Medicine Clinic
Classification: Uncertain significance for Transitory neonatal diabetes mellitus. Review status: criteria provided, single submitter. Criteria: K & H Uppaluri Personalized Medicine Clinic Variant Classification & Assertion Criteria_Updated V.1. Collection method: research. Allele origin: unknown. Inheritance: Somatic mutation.
Comment: Mutations in ABCC8 gene are associated with both neonatal diabetes mellitus as well as MODY. Patients with this mutation may have a better response to sulfonylureas. However, no sufficient evidence is found to ascertain the role of this particular variant ( rs747902103) in neonatal diabetes yet.

Natera, Inc.
Classification: Likely benign for Hereditary hyperinsulinism. Last evaluated: 2020-03-11. Review status: no assertion criteria provided. Collection method: clinical testing. Allele origin: germline. Not counted in ClinVar's aggregate classification.

Literature cited by the submitters: PubMed 16885549 (cited by Clinical Genomics, Uppaluri K&H Personalized Medicine Clinic); PubMed 21989597 (cited by Clinical Genomics, Uppaluri K&H Personalized Medicine Clinic); PubMed 27538677 (cited by Clinical Genomics, Uppaluri K&H Personalized Medicine Clinic); PubMed 18981553 (cited by Clinical Genomics, Uppaluri K&H Personalized Medicine Clinic); PubMed 32027066 (cited by Clinical Genomics, Uppaluri K&H Personalized Medicine Clinic); PubMed 16613899 (cited by Clinical Genomics, Uppaluri K&H Personalized Medicine Clinic); PubMed 18025408 (cited by Clinical Genomics, Uppaluri K&H Personalized Medicine Clinic); PubMed 32792356 (cited by Clinical Genomics, Uppaluri K&H Personalized Medicine Clinic).

NM_000352.6(ABCC8):c.2178A>G (p.Ala726=)

Gene: ABCC8 (ATP binding cassette subfamily C member 8; minus strand). Cytogenetic location: 11p15.1.
Variant type: single nucleotide variant.
Coding change: c.2178A>G on transcript NM_000352.6 (MANE Select); coding-DNA position 2178, A replaced by G.
Protein change: p.Ala726=; no amino-acid change (alanine 726 retained).
Molecular consequence: synonymous variant. On other transcripts: non-coding transcript variant (1).
Genome position (GRCh38, 1-based): chr11:17,427,093, T>C on the plus strand (A>G on the coding strand, the complement: ABCC8 is on the minus strand). VCF-style: chr11-17427093-T-C. GRCh37 (hg19) VCF-style: chr11-17448640-T-C.
Other names: c.2178A>G, p.Ala726= (NM_001287174.3); c.2244A>G, p.Ala748= (NM_001351295.2); c.2175A>G, p.Ala725= (NM_001351296.2, NM_001351297.2); c.2178A>G (NM_000352.3).
Identifiers: ClinVar variation 795504 (VCV000795504.15), dbSNP rs747902103, ClinGen allele CA5903280.